The following is an entry in ClinVar:

NM_032119.4(ADGRV1):c.9748_9748+8del

Gene: ADGRV1 (adhesion G protein-coupled receptor V1; plus strand). Cytogenetic location: 5q14.3.
Variant type: Deletion.
Coding change: c.9748_9748+8del on transcript NM_032119.4 (MANE Select); coding-DNA position 9748 through 8 bases into the intron after coding-DNA position 9748, 9 bases deleted (AGTATGTTT; older notation c.9748_9748+8delAGTATGTTT).
Molecular consequence: splice donor variant.
Genome position (GRCh38, 1-based): chr5:90,721,059-90,721,067, AGTATGTTT deleted. VCF-style (leftmost placement, unchanged base first): chr5-90721058-GAGTATGTTT-G. GRCh37 (hg19) VCF-style: chr5-90016875-GAGTATGTTT-G.
Identifiers: ClinVar variation 3684556 (VCV003684556.2).

ClinVar aggregate classification (germline): Likely pathogenic (1 of 4 stars; one submission).

Submission:

Labcorp Genetics (formerly Invitae), Labcorp
Classification: Likely pathogenic. Last evaluated: 2025-12-29. Review status: criteria provided, single submitter. Criteria: Invitae Variant Classification Sherloc (09022015). Collection method: clinical testing. Allele origin: germline.
Comment: This variant results in the deletion of part of exon 45 (c.9748_9748+8del) of the ADGRV1 gene. It is expected to disrupt RNA splicing. Variants that disrupt the donor or acceptor splice site typically lead to a loss of protein function (PMID: 16199547), and loss-of-function variants in ADGRV1 are known to be pathogenic (PMID: 19357117, 22135276, 22147658, 26226137, 30718709, 31047384, 32467589). This variant is not present in population databases (gnomAD no frequency). This variant has not been reported in the literature in individuals affected with ADGRV1-related conditions. ClinVar contains an entry for this variant (Variation ID: 3684556). Algorithms developed to predict the effect of sequence changes on RNA splicing suggest that this variant may disrupt the consensus splice site. In summary, the currently available evidence indicates that the variant is pathogenic, but additional data are needed to prove that conclusively. Therefore, this variant has been classified as Likely Pathogenic.

Literature cited by the submitters: PubMed 16199547; PubMed 19357117; PubMed 22135276; PubMed 22147658; PubMed 26226137; PubMed 30718709; PubMed 31047384; PubMed 32467589.